The following is an entry in ClinVar:

NM_005475.3(SH2B3):c.956T>C (p.Ile319Thr)

Gene: SH2B3 (SH2B adaptor protein 3; plus strand). Cytogenetic location: 12q24.12.
Variant type: single nucleotide variant.
Coding change: c.956T>C on transcript NM_005475.3 (MANE Select); coding-DNA position 956, T replaced by C.
Protein change: p.Ile319Thr; replaces isoleucine 319 with threonine.
Molecular consequence: missense variant.
Genome position (GRCh38, 1-based): chr12:111,447,154, T>C. VCF-style: chr12-111447154-T-C. GRCh37 (hg19) VCF-style: chr12-111884958-T-C.
Other names: c.350T>C, p.Ile117Thr (NM_001291424.1); short protein forms I117T, I319T.
Identifiers: ClinVar variation 3953551 (VCV003953551.1).

ClinVar aggregate classification (germline): Uncertain significance (1 of 4 stars; one submission).

Conditions:
Inborn genetic diseases. Identifiers: MedGen C0950123, MeSH D030342.

gnomAD v4.1: 5 of 1,613,946 alleles (0.00031%); highest among the groups gnomAD compares: African/African-American, 0.0013%; no homozygotes.

Submission:

Ambry Genetics
Classification: Uncertain significance for Inborn genetic diseases. Last evaluated: 2025-06-02. Review status: criteria provided, single submitter. Criteria: Ambry Variant Classification Scheme 2023. Collection method: clinical testing. Allele origin: germline.
Comment: The p.I319T variant (also known as c.956T>C), located in coding exon 4 of the SH2B3 gene, results from a T to C substitution at nucleotide position 956. The isoleucine at codon 319 is replaced by threonine, an amino acid with similar properties. This amino acid position is conserved. In addition, this alteration is predicted to be tolerated by in silico analysis. Based on the available evidence, the clinical significance of this variant remains unclear.